The following is an entry in ClinVar:

ClinVar aggregate classification (germline): Benign/Likely benign. Review status: criteria provided, multiple submitters, no conflicts (2 of 4 stars). 10 submissions from 10 submitters: Benign (2); Likely benign (7). 1 of the submissions does not count toward it. Last evaluated 2026-01-24.

Conditions:
Isovaleryl-CoA dehydrogenase deficiency (IVA). Also called: ISOVALERIC ACID CoA DEHYDROGENASE DEFICIENCY; Isovaleric acidemia; Classic Isovaleric Acidemia; IVD DEFICIENCY. Identifiers: Orphanet 33, MedGen C0268575, MONDO:0009475, OMIM 243500.

Allele frequency attached by ClinVar (database versions not stated): gnomAD 0.00069 and 0.00081; ESP Exome Variant Server 0.00077; TOPMed 0.00091; 1000 Genomes Project 30x 0.00109; 1000 Genomes Project 0.00120; gnomAD exomes 0.00139.

Submissions (10):

Labcorp Genetics (formerly Invitae), Labcorp
Classification: Benign for Isovaleryl-CoA dehydrogenase deficiency. Last evaluated: 2026-01-24. Review status: criteria provided, single submitter. Criteria: Invitae Variant Classification Sherloc (09022015). Collection method: clinical testing. Allele origin: germline.

CeGaT Center for Human Genetics Tuebingen
Classification: Likely benign. Last evaluated: 2025-12-01. Review status: criteria provided, single submitter. Criteria: CeGaT Center For Human Genetics Tuebingen Variant Classification Criteria Version 2. Collection method: clinical testing. Allele origin: germline. Affected: yes. Observed: 2 variant alleles.
Comment: IVD: BP4, BP7

Blueprint Genetics
Classification: Likely benign. Last evaluated: 2024-11-21. Review status: criteria provided, single submitter. Criteria: ACMG Guidelines, 2015. Collection method: clinical testing. Allele origin: germline.

ARUP Laboratories, Molecular Genetics and Genomics, ARUP Laboratories
Classification: Likely benign for Isovaleryl-CoA dehydrogenase deficiency. Last evaluated: 2022-10-19. Review status: criteria provided, single submitter. Criteria: ARUP Molecular Germline Variant Investigation Process 2021. Collection method: clinical testing. Allele origin: germline.

Genome-Nilou Lab
Classification: Benign for Isovaleryl-CoA dehydrogenase deficiency. Last evaluated: 2021-05-18. Review status: criteria provided, single submitter. Criteria: ACMG Guidelines, 2015. Collection method: clinical testing. Allele origin: germline. Affected: no.

GeneDx
Classification: Likely benign. Last evaluated: 2018-06-18. Review status: criteria provided, single submitter. Criteria: GeneDx Variant Classification Process June 2021. Collection method: clinical testing. Allele origin: germline. Affected: yes.

Illumina Laboratory Services, Illumina
Classification: Likely benign for Isovaleryl-CoA dehydrogenase deficiency. Last evaluated: 2018-01-12. Review status: criteria provided, single submitter. Criteria: ICSL Variant Classification Criteria 13 December 2019. Collection method: clinical testing. Allele origin: germline.
Comment: This variant was observed in the ICSL laboratory as part of a predisposition screen in an ostensibly healthy population. It had not been previously curated by ICSL or reported in the Human Gene Mutation Database (HGMD: prior to June 1st, 2018), and was therefore a candidate for classification through an automated scoring system. Utilizing variant allele frequency, disease prevalence and penetrance estimates, and inheritance mode, an automated score was calculated to assess if this variant is too frequent to cause the disease. Based on the score and internal cut-off values, a variant classified as likely benign is not then subjected to further curation. The score for this variant resulted in a classification of likely benign for this disease.

Eurofins Ntd Llc (ga)
Classification: Likely benign. Last evaluated: 2016-07-12. Review status: criteria provided, single submitter. Criteria: EGL Classification Definitions 2015. Collection method: clinical testing. Allele origin: germline. Observed: 1 variant allele, 1 heterozygote.

Breakthrough Genomics
Classification: Likely benign. Review status: criteria provided, single submitter. Criteria: ACMG Guidelines, 2015. Collection method: not provided. Allele origin: germline. Inheritance: Autosomal recessive inheritance. Affected: yes.

Natera, Inc.
Classification: Benign for Isovaleryl-coa dehydrogenase deficiency. Last evaluated: 2019-08-06. Review status: no assertion criteria provided. Collection method: clinical testing. Allele origin: germline. Not counted in ClinVar's aggregate classification.

NM_002225.5(IVD):c.891G>A (p.Ala297=)

Gene: IVD (isovaleryl-CoA dehydrogenase; plus strand). Cytogenetic location: 15q15.1.
Variant type: single nucleotide variant.
Coding change: c.891G>A on transcript NM_002225.5 (MANE Select); coding-DNA position 891, G replaced by A.
Protein change: p.Ala297=; no amino-acid change (alanine 297 retained).
Molecular consequence: synonymous variant. On other transcripts: non-coding transcript variant (1).
Genome position (GRCh38, 1-based): chr15:40,415,413, G>A. VCF-style: chr15-40415413-G-A. GRCh37 (hg19) VCF-style: chr15-40707612-G-A.
Other names: c.801G>A, p.Ala267= (NM_001159508.3); c.843G>A, p.Ala281= (NM_001354597.3); c.891G>A, p.Ala297= (NM_001354598.3, NM_001354601.3); c.978G>A, p.Ala326= (NM_001354599.3, NM_001354600.3).
Identifiers: ClinVar variation 94058 (VCV000094058.51), dbSNP rs138427412, ClinGen allele CA221938.
Genomic context (GRCh38, chr15:40,415,413, plus strand): 5'-GGTGGTGGGATGAGGAGGTGCCCACGGGGCCTTTCTCCTTTCTGACAGGCTCATGCAAGC[G>A]GTCCTGGACCACACCATTCCCTACCTGCACGTGAGGGAAGCCTTTGGCCAGAAGATCGGC-3'
Protein context (NP_002216.3, residues 287-307): LAGGPLGLMQ[Ala297=]VLDHTIPYLH